The following is an entry in ClinVar:

ClinVar aggregate classification (germline): Likely pathogenic (1 of 4 stars; one submission).

Conditions:
Niemann-Pick disease, type C2 (NPC2). Identifiers: Orphanet 646, MedGen C1843366, MONDO:0011873, OMIM 607625.

Submission:

Myriad Genetics, Inc.
Classification: Likely pathogenic for Niemann-Pick disease, type C2. Last evaluated: 2019-08-20. Review status: criteria provided, single submitter. Criteria: Myriad Women's Health Autosomal Recessive and X-Linked Classification Criteria (2019). Collection method: clinical testing. Allele origin: unknown.
Comment: NM_006432.3(NPC2):c.357T>A(Y119*) is expected to be pathogenic in the context of Niemann-Pick disease type C2. This variant is predicted to lead to an abnormal or absent protein product due to the creation of a premature termination codon in NPC2, a gene where loss-of-function variants are known to be pathogenic. Please note: this variant was assessed in the context of healthy population screening.

NM_006432.5(NPC2):c.357T>A (p.Tyr119Ter)

Gene: NPC2 (NPC intracellular cholesterol transporter 2; minus strand). Cytogenetic location: 14q24.3.
Variant type: single nucleotide variant.
Coding change: c.357T>A on transcript NM_006432.5 (MANE Select); coding-DNA position 357, T replaced by A.
Protein change: p.Tyr119Ter; replaces tyrosine 119 with a stop codon.
Molecular consequence: nonsense.
Genome position (GRCh38, 1-based): chr14:74,484,421, A>T on the plus strand (T>A on the coding strand, the complement: NPC2 is on the minus strand). VCF-style: chr14-74484421-A-T. GRCh37 (hg19) VCF-style: chr14-74951124-A-T.
Other names: c.357T>A, p.Tyr119Ter (NM_001363688.1, NM_001375440.1); short protein forms Y119*.
Identifiers: ClinVar variation 983844 (VCV000983844.3), dbSNP rs2086687086, ClinGen allele CA390532244.